The following is an entry in ClinVar:

ClinVar aggregate classification (germline): Conflicting classifications of pathogenicity. Review status: criteria provided, conflicting classifications (1 of 4 stars). 4 submissions from 4 submitters: Uncertain significance (3); Likely benign (1). Last evaluated 2025-05-19.

Conditions:
Inborn genetic diseases. Identifiers: MedGen C0950123, MeSH D030342.
Developmental and epileptic encephalopathy, 25 (DEE25). Also called: Developmental and epileptic encephalopathy 25, with amelogenesis imperfecta; Epileptic encephalopathy, early infantile, 25, with amelogenesis imperfecta; Epileptic encephalopathy, early infantile, 25. Identifiers: Orphanet 442835, MedGen C4014621, MONDO:0014392, OMIM 615905.

Allele frequency attached by ClinVar (database versions not stated): TOPMed 0.00003; ESP Exome Variant Server 0.00008; 1000 Genomes Project 30x 0.00016; 1000 Genomes Project 0.00020.
gnomAD v4.1: 102 of 1,614,158 alleles (0.0063%); highest among the groups gnomAD compares: East Asian, 0.094%; no homozygotes.

Submissions (4):

Ambry Genetics
Classification: Likely benign for Inborn genetic diseases. Last evaluated: 2025-05-19. Review status: criteria provided, single submitter. Criteria: Ambry Variant Classification Scheme 2023. Collection method: clinical testing. Allele origin: germline.

Labcorp Genetics (formerly Invitae), Labcorp
Classification: Uncertain significance for Developmental and epileptic encephalopathy, 25. Last evaluated: 2024-09-05. Review status: criteria provided, single submitter. Criteria: Invitae Variant Classification Sherloc (09022015). Collection method: clinical testing. Allele origin: germline.
Comment: This sequence change replaces arginine, which is basic and polar, with tryptophan, which is neutral and slightly polar, at codon 201 of the SLC13A5 protein (p.Arg201Trp). This variant is present in population databases (rs142320179, gnomAD 0.04%). This variant has not been reported in the literature in individuals affected with SLC13A5-related conditions. ClinVar contains an entry for this variant (Variation ID: 1037661). Invitae Evidence Modeling of protein sequence and biophysical properties (such as structural, functional, and spatial information, amino acid conservation, physicochemical variation, residue mobility, and thermodynamic stability) indicates that this missense variant is not expected to disrupt SLC13A5 protein function with a negative predictive value of 80%. In summary, the available evidence is currently insufficient to determine the role of this variant in disease. Therefore, it has been classified as a Variant of Uncertain Significance.

GeneDx
Classification: Uncertain significance. Last evaluated: 2024-04-10. Review status: criteria provided, single submitter. Criteria: GeneDx Variant Classification Process June 2021. Collection method: clinical testing. Allele origin: germline. Affected: yes.
Comment: In silico analysis supports that this missense variant has a deleterious effect on protein structure/function; Has not been previously published as pathogenic or benign to our knowledge

Revvity Omics, Revvity
Classification: Uncertain significance for Developmental and epileptic encephalopathy, 25. Last evaluated: 2020-08-19. Review status: criteria provided, single submitter. Criteria: ACMG Guidelines, 2015. Collection method: clinical testing. Allele origin: germline.

NM_177550.5(SLC13A5):c.601C>T (p.Arg201Trp)

Gene: SLC13A5 (solute carrier family 13 member 5; minus strand). Cytogenetic location: 17p13.1.
Variant type: single nucleotide variant.
Coding change: c.601C>T on transcript NM_177550.5 (MANE Select); coding-DNA position 601, C replaced by T.
Protein change: p.Arg201Trp; replaces arginine 201 with tryptophan.
Molecular consequence: missense variant.
Genome position (GRCh38, 1-based): chr17:6,703,085, G>A on the plus strand (C>T on the coding strand, the complement: SLC13A5 is on the minus strand). VCF-style: chr17-6703085-G-A. GRCh37 (hg19) VCF-style: chr17-6606404-G-A.
Other names: c.601C>T, p.Arg201Trp (NM_001143838.3); c.550C>T, p.Arg184Trp (NM_001284509.2); c.472C>T, p.Arg158Trp (NM_001284510.2); c.601C>T (NM_177550.4, NM_177550.3); short protein forms R184W, R158W, R201W.
Identifiers: ClinVar variation 1037661 (VCV001037661.12), dbSNP rs142320179, ClinGen allele CA8331665.